The following is an entry in ClinVar:

ClinVar aggregate classification (germline): Likely benign. Review status: criteria provided, multiple submitters, no conflicts (2 of 4 stars). 6 submissions from 6 submitters: Likely benign (4). 2 of the submissions do not count toward it. Last evaluated 2026-01-27.

Conditions:
Cryptosporidiosis-chronic cholangitis-liver disease syndrome. Also called: IL21R immunodeficiency; Immunodeficiency type 56. Identifiers: Orphanet 357329, MedGen C3554687, MONDO:0014082, OMIM 615207.

Allele frequency attached by ClinVar (database versions not stated): 1000 Genomes Project 30x 0.00016; 1000 Genomes Project 0.00020; TOPMed 0.00045; gnomAD exomes 0.00046 and 0.00068; gnomAD 0.00053 and 0.00054; ExAC 0.00060; ESP Exome Variant Server 0.00062.
gnomAD v4.1: 1,066 of 1,613,888 alleles (0.066%); highest among the groups gnomAD compares: Non-Finnish European, 0.086%; no homozygotes.

Submissions (6):

Labcorp Genetics (formerly Invitae), Labcorp
Classification: Likely benign for Cryptosporidiosis-chronic cholangitis-liver disease syndrome. Last evaluated: 2026-01-27. Review status: criteria provided, single submitter. Criteria: Invitae Variant Classification Sherloc (09022015). Collection method: clinical testing. Allele origin: germline.

Mayo Clinic Laboratories, Mayo Clinic
Classification: Likely benign. Last evaluated: 2025-10-06. Review status: criteria provided, single submitter. Criteria: ACMG Guidelines, 2015. Collection method: clinical testing. Allele origin: germline. Observed: 1 variant allele.
Comment: BS1, BP4, BP7

Blueprint Genetics
Classification: Likely benign. Last evaluated: 2024-07-31. Review status: criteria provided, single submitter. Criteria: ACMG Guidelines, 2015. Collection method: clinical testing. Allele origin: germline.

CeGaT Center for Human Genetics Tuebingen
Classification: Likely benign. Last evaluated: 2024-02-01. Review status: criteria provided, single submitter. Criteria: CeGaT Center For Human Genetics Tuebingen Variant Classification Criteria Version 2. Collection method: clinical testing. Allele origin: germline. Affected: yes. Observed: 1 variant allele.
Comment: IL21R: BP4, BP7

Clinical Genetics DNA and cytogenetics Diagnostics Lab, Erasmus MC, Erasmus Medical Center
Classification: Likely benign. Review status: no assertion criteria provided. Collection method: clinical testing. Allele origin: germline. Affected: yes. Study: VKGL Data-share Consensus. Not counted in ClinVar's aggregate classification.

Genome Diagnostics Laboratory, University Medical Center Utrecht
Classification: Likely benign. Review status: no assertion criteria provided. Collection method: clinical testing. Allele origin: germline. Affected: yes. Study: VKGL Data-share Consensus. Not counted in ClinVar's aggregate classification.

NM_181078.3(IL21R):c.426C>T (p.Tyr142=)

Gene: IL21R (interleukin 21 receptor; plus strand). Cytogenetic location: 16p12.1.
Variant type: single nucleotide variant.
Coding change: c.426C>T on transcript NM_181078.3 (MANE Select); coding-DNA position 426, C replaced by T.
Protein change: p.Tyr142=; no amino-acid change (tyrosine 142 retained).
Molecular consequence: synonymous variant.
Genome position (GRCh38, 1-based): chr16:27,443,035, C>T. VCF-style: chr16-27443035-C-T. GRCh37 (hg19) VCF-style: chr16-27454356-C-T.
Other names: p.Tyr142=; c.426C>T, p.Tyr142= (NM_021798.4); c.492C>T, p.Tyr164= (NM_181079.5).
Identifiers: ClinVar variation 785743 (VCV000785743.37), dbSNP rs137868301, ClinGen allele CA7974969.